The following is an entry in ClinVar:

ClinVar aggregate classification (germline): Uncertain significance. Review status: criteria provided, multiple submitters, no conflicts (2 of 4 stars). 2 submissions from 2 submitters: Uncertain significance (2). Last evaluated 2025-11-07.

Conditions:
Inborn genetic diseases. Identifiers: MedGen C0950123, MeSH D030342.

Allele frequency attached by ClinVar (database versions not stated): gnomAD exomes 0.00004; gnomAD 0.00002; TOPMed 0.00005.

Submissions (2):

Ambry Genetics
Classification: Uncertain significance for Inborn genetic diseases. Last evaluated: 2025-11-07. Review status: criteria provided, single submitter. Criteria: Ambry Variant Classification Scheme 2023. Collection method: clinical testing. Allele origin: germline.

Labcorp Genetics (formerly Invitae), Labcorp
Classification: Uncertain significance. Last evaluated: 2018-05-30. Review status: criteria provided, single submitter. Criteria: Invitae Variant Classification Sherloc (09022015). Collection method: clinical testing. Allele origin: germline.
Comment: This sequence change replaces proline with leucine at codon 208 of the MESP2 protein (p.Pro208Leu). The proline residue is weakly conserved and there is a moderate physicochemical difference between proline and leucine. The frequency data for this variant in the population databases is considered unreliable, as metrics indicate poor data quality at this position in the ExAC database. This variant has not been reported in the literature in individuals with MESP2-related disease. Algorithms developed to predict the effect of missense changes on protein structure and function are either unavailable or do not agree on the potential impact of this missense change (SIFT: "Tolerated"; PolyPhen-2: "Benign"; Align-GVGD: "Class C0"). In summary, the available evidence is currently insufficient to determine the role of this variant in disease. Therefore, it has been classified as a Variant of Uncertain Significance.

NM_001039958.2(MESP2):c.623C>T (p.Pro208Leu)

Gene: MESP2 (mesoderm posterior bHLH transcription factor 2; plus strand). Cytogenetic location: 15q26.1.
Variant type: single nucleotide variant.
Coding change: c.623C>T on transcript NM_001039958.2 (MANE Select); coding-DNA position 623, C replaced by T.
Protein change: p.Pro208Leu; replaces proline 208 with leucine.
Molecular consequence: missense variant.
Genome position (GRCh38, 1-based): chr15:89,776,980, C>T. VCF-style: chr15-89776980-C-T. GRCh37 (hg19) VCF-style: chr15-90320211-C-T.
Other names: c.623C>T (NM_001039958.1); short protein forms P208L.
Identifiers: ClinVar variation 2042026 (VCV002042026.2), dbSNP rs747379816, ClinGen allele CA7730469.